The following is an entry in ClinVar:

ClinVar aggregate classification (germline): Uncertain significance. Review status: criteria provided, multiple submitters, no conflicts (2 of 4 stars). 2 submissions from 2 submitters: Uncertain significance (2). Last evaluated 2024-11-04.

Conditions:
Hereditary cancer-predisposing syndrome. Also called: Neoplastic Syndromes, Hereditary; Hereditary neoplastic syndrome; Tumor predisposition; Hereditary Cancer Syndrome. Identifiers: Orphanet 140162, MedGen C0027672, MeSH D009386, MONDO:0015356.
Familial cancer of breast. Also called: Hereditary breast cancer; BREAST CANCER, FAMILIAL; hereditary breast carcinoma. Identifiers: Orphanet 227535, MedGen C0346153, MONDO:0016419, OMIM 114480. Disease mechanism: loss of function.

Allele frequency attached by ClinVar (database versions not stated): gnomAD 0.00001.
gnomAD v4.1: 1 of 1,614,012 alleles (0.000062%); highest among the groups gnomAD compares: African/African-American, 0.0013%; no homozygotes.

Submissions (2):

Ambry Genetics
Classification: Uncertain significance for Hereditary cancer-predisposing syndrome. Last evaluated: 2024-11-04. Review status: criteria provided, single submitter. Criteria: Ambry Variant Classification Scheme 2023. Collection method: clinical testing. Allele origin: germline.
Comment: The p.S403R variant (also known as c.1209T>A), located in coding exon 4 of the BARD1 gene, results from a T to A substitution at nucleotide position 1209. The serine at codon 403 is replaced by arginine, an amino acid with dissimilar properties. This amino acid position is conserved. In addition, this alteration is predicted to be tolerated by in silico analysis. Based on the available evidence, the clinical significance of this variant remains unclear.

Labcorp Genetics (formerly Invitae), Labcorp
Classification: Uncertain significance for Familial cancer of breast. Last evaluated: 2022-12-17. Review status: criteria provided, single submitter. Criteria: Invitae Variant Classification Sherloc (09022015). Collection method: clinical testing. Allele origin: germline.
Comment: This variant is not present in population databases (gnomAD no frequency). This variant has not been reported in the literature in individuals affected with BARD1-related conditions. This sequence change replaces serine, which is neutral and polar, with arginine, which is basic and polar, at codon 403 of the BARD1 protein (p.Ser403Arg). Algorithms developed to predict the effect of missense changes on protein structure and function output the following: SIFT: "Tolerated"; PolyPhen-2: "Benign"; Align-GVGD: "Class C0". The arginine amino acid residue is found in multiple mammalian species, which suggests that this missense change does not adversely affect protein function. In summary, the available evidence is currently insufficient to determine the role of this variant in disease. Therefore, it has been classified as a Variant of Uncertain Significance.

NM_000465.4(BARD1):c.1209T>A (p.Ser403Arg)

Gene: BARD1 (BRCA1 associated RING domain 1; minus strand). Cytogenetic location: 2q35.
Variant type: single nucleotide variant.
Coding change: c.1209T>A on transcript NM_000465.4 (MANE Select); coding-DNA position 1209, T replaced by A.
Protein change: p.Ser403Arg; replaces serine 403 with arginine.
Molecular consequence: missense variant. On other transcripts: non-coding transcript variant (2), intron variant (3).
Genome position (GRCh38, 1-based): chr2:214,780,665, A>T on the plus strand (T>A on the coding strand, the complement: BARD1 is on the minus strand). VCF-style: chr2-214780665-A-T. GRCh37 (hg19) VCF-style: chr2-215645389-A-T.
Other names: c.1152T>A, p.Ser384Arg (NM_001282543.2); c.159-28110T>A (NM_001282548.2); c.215+16396T>A (NM_001282545.2); c.364+11632T>A (NM_001282549.2); c.1209T>A (NM_000465.2); short protein forms S384R, S403R.
Identifiers: ClinVar variation 2821815 (VCV002821815.4), dbSNP rs1694947448, ClinGen allele CA350453720.